The following is an entry in ClinVar:

ClinVar aggregate classification (germline): Uncertain significance (1 of 4 stars; one submission).

Conditions:
Vici syndrome (VICIS). Identifiers: Orphanet 1493, MedGen C1855772, MONDO:0009452, OMIM 242840.

Submission:

Labcorp Genetics (formerly Invitae), Labcorp
Classification: Uncertain significance for Vici syndrome. Last evaluated: 2024-10-21. Review status: criteria provided, single submitter. Criteria: Invitae Variant Classification Sherloc (09022015). Collection method: clinical testing. Allele origin: germline.
Comment: This sequence change replaces alanine, which is neutral and non-polar, with aspartic acid, which is acidic and polar, at codon 11 of the EPG5 protein (p.Ala11Asp). This variant is not present in population databases (gnomAD no frequency). This variant has not been reported in the literature in individuals affected with EPG5-related conditions. ClinVar contains an entry for this variant (Variation ID: 2000456). An algorithm developed to predict the effect of missense changes on protein structure and function (PolyPhen-2) suggests that this variant is likely to be disruptive. In summary, the available evidence is currently insufficient to determine the role of this variant in disease. Therefore, it has been classified as a Variant of Uncertain Significance.

NM_020964.3(EPG5):c.32C>A (p.Ala11Asp)

Gene: EPG5 (ectopic P-granules 5 autophagy tethering factor; minus strand). Cytogenetic location: 18q21.1.
Variant type: single nucleotide variant.
Coding change: c.32C>A on transcript NM_020964.3 (MANE Select); coding-DNA position 32, C replaced by A.
Protein change: p.Ala11Asp; replaces alanine 11 with aspartic acid.
Molecular consequence: missense variant.
Genome position (GRCh38, 1-based): chr18:45,967,208, G>T on the plus strand (C>A on the coding strand, the complement: EPG5 is on the minus strand). VCF-style: chr18-45967208-G-T. GRCh37 (hg19) VCF-style: chr18-43547174-G-T.
Other names: c.32C>A, p.Ala11Asp (NM_001410858.1, NM_001410859.1); short protein forms A11D.
Identifiers: ClinVar variation 2000456 (VCV002000456.4), dbSNP rs773037161, ClinGen allele CA402350087.
Genomic context (GRCh38, chr18:45,967,208, plus strand): 5'-AGCCTCGGGAGGGTGGGGGAGATCCTCACCTTTGTTTTAGTCCGGCTGGCCTTGGCCTTG[G>T]CCCGGCGCTGGGGCTTCACCGCCTCGGCCATAGACCCTTCCGCGGCGCCGTCACCGTTTG-3'
Protein context (NP_066015.2, residues 1-21): MAEAVKPQRR[Ala11Asp]KAKASRTKTK